The following is an entry in ClinVar:

NM_004371.4(COPA):c.2284G>T (p.Ala762Ser)

Gene: COPA (coat protein complex I subunit alpha; minus strand). Cytogenetic location: 1q23.2.
Variant type: single nucleotide variant.
Coding change: c.2284G>T on transcript NM_004371.4 (MANE Select); coding-DNA position 2284, G replaced by T.
Protein change: p.Ala762Ser; replaces alanine 762 with serine.
Molecular consequence: missense variant.
Genome position (GRCh38, 1-based): chr1:160,296,129, C>A on the plus strand (G>T on the coding strand, the complement: COPA is on the minus strand). VCF-style: chr1-160296129-C-A. GRCh37 (hg19) VCF-style: chr1-160265919-C-A.
Other names: c.2311G>T, p.Ala771Ser (NM_001098398.2); short protein forms A762S, A771S.
Identifiers: ClinVar variation 2716284 (VCV002716284.3), dbSNP rs2525360840, ClinGen allele CA343276894.

ClinVar aggregate classification (germline): Uncertain significance (1 of 4 stars; one submission).

Conditions:
Autoimmune interstitial lung disease-arthritis syndrome. Also called: Autoinflammation and autoimmunity, systemic, with immune dysregulation. Identifiers: Orphanet 444092, MedGen C5975714, MONDO:0014629.

Submission:

Labcorp Genetics (formerly Invitae), Labcorp
Classification: Uncertain significance for Autoimmune interstitial lung disease-arthritis syndrome. Last evaluated: 2023-01-14. Review status: criteria provided, single submitter. Criteria: Invitae Variant Classification Sherloc (09022015). Collection method: clinical testing. Allele origin: germline.
Comment: In summary, the available evidence is currently insufficient to determine the role of this variant in disease. Therefore, it has been classified as a Variant of Uncertain Significance. Advanced modeling of protein sequence and biophysical properties (such as structural, functional, and spatial information, amino acid conservation, physicochemical variation, residue mobility, and thermodynamic stability) performed at Invitae indicates that this missense variant is not expected to disrupt COPA protein function. This variant has not been reported in the literature in individuals affected with COPA-related conditions. This variant is not present in population databases (gnomAD no frequency). This sequence change replaces alanine, which is neutral and non-polar, with serine, which is neutral and polar, at codon 762 of the COPA protein (p.Ala762Ser).